The following is an entry in ClinVar:

NM_003001.5(SDHC):c.77+2dup

Gene: SDHC (succinate dehydrogenase complex subunit C; plus strand). Cytogenetic location: 1q23.3.
Variant type: Duplication.
Coding change: c.77+2dup on transcript NM_003001.5 (MANE Select); the canonical splice donor site of the intron after coding-DNA position 77, one base duplicated (T; older notation c.77+2dupT).
Molecular consequence: splice donor variant. On other transcripts: intron variant (4).
Genome position (GRCh38, 1-based): chr1:161,323,672, T duplicated. VCF-style (leftmost placement, unchanged base first): chr1-161323671-G-GT. GRCh37 (hg19) VCF-style: chr1-161293461-G-GT.
Other names: c.77+2dupT (NM_003001.3); c.-35+2dup (NM_001407119.1); c.-153+2dup (NM_001407120.1); c.77+2dup (NM_001407115.1, NM_001035511.3, NM_001035512.3 and 2 more transcripts); c.21-4724dup (NM_001407116.1, NM_001407121.1, NM_001407117.1); c.20+9247dup (NM_001035513.3).
Identifiers: ClinVar variation 837072 (VCV000837072.13), dbSNP rs766486676, ClinGen allele CA048155.
Genomic context (GRCh38, chr1:161,323,671, plus strand): 5'-CAGACACGTTGGTCGTCATTGCCTCCGAGCCCACTTTAGCCCTCAGCTCTGTATCAGAAA[G>GT]TAAGTTTCTAAGTCTGGAGATTATTTATTTATTTTTTTTTTTGAGACGGAGTCTCGCTCT-3'

ClinVar aggregate classification (germline): Conflicting classifications of pathogenicity. Review status: criteria provided, conflicting classifications (1 of 4 stars). 2 submissions from 2 submitters: Pathogenic (1); Uncertain significance (1). Last evaluated 2021-05-21.

Conditions:
Hereditary cancer-predisposing syndrome. Also called: Neoplastic Syndromes, Hereditary; Tumor predisposition; Hereditary Cancer Syndrome; Hereditary neoplastic syndrome. Identifiers: Orphanet 140162, MedGen C0027672, MeSH D009386, MONDO:0015356.
Pheochromocytoma/paraganglioma syndrome 3. Also called: GLOMUS TUMORS, FAMILIAL, 3; Paragangliomas 3; SDHC-Related Hereditary Paraganglioma-Pheochromocytoma Syndrome (Paragangliomas 3); SDHC-Related Hereditary Paraganglioma-Pheochromocytoma Syndrome. Identifiers: Orphanet 29072, MedGen C1854336, MONDO:0011544, OMIM 605373.
Gastrointestinal stromal tumor. Also called: Gastrointestinal stromal tumor, somatic; Gastrointestinal stroma tumor. Identifiers: Orphanet 44890, MedGen C0238198, MeSH D046152, MONDO:0011719, OMIM 606764, HP:0100723.

Allele frequency attached by ClinVar (database versions not stated): gnomAD exomes below 0.00001; ExAC 0.00001.

Submissions (2):

Labcorp Genetics (formerly Invitae), Labcorp
Classification: Uncertain significance for Pheochromocytoma/paraganglioma syndrome 3; Gastrointestinal stromal tumor. Last evaluated: 2021-05-21. Review status: criteria provided, single submitter. Criteria: Invitae Variant Classification Sherloc (09022015). Collection method: clinical testing. Allele origin: germline.
Comment: In summary, the available evidence is currently insufficient to determine the role of this variant in disease. Therefore, it has been classified as a Variant of Uncertain Significance. Nucleotide substitutions within the consensus splice site are a relatively common cause of aberrant splicing (PMID: 17576681, 9536098). Algorithms developed to predict the effect of sequence changes on RNA splicing suggest that this variant may disrupt the consensus splice site, but this prediction has not been confirmed by published transcriptional studies. This variant has been observed in individual(s) with head and neck paraganglioma (PMID: 23666964). This variant is present in population databases (rs766486676, ExAC 0.002%). This sequence change falls in intron 2 of the SDHC gene. It does not directly change the encoded amino acid sequence of the SDHC protein, but it affects a nucleotide within the consensus splice site of the intron.

Ambry Genetics
Classification: Pathogenic for Hereditary cancer-predisposing syndrome. Last evaluated: 2020-11-16. Review status: criteria provided, single submitter. Criteria: Ambry Variant Classification Scheme 2023. Collection method: clinical testing. Allele origin: germline.
Comment: The c.77+2dupT intronic pathogenic mutation, results from a duplication of one nucleotide at position c.77+2 after intron 2 of the SDHC gene. This nucleotide position is highly conserved in available vertebrate species. In silico splice site analysis predicts that this alteration will weaken the native splice donor site. This alteration has been reported in multiple individuals with a personal history consistent with hereditary paraganglioma-pheochromocytoma syndrome (PGL/PCC) (Buffet A et al. Horm Metab Res, 2012 May;44:359-66; Rattenberry E et al. J Clin Endocrinol Metab, 2013 Jul;98:E1248-56). Further, two other alterations impacting this canonical donor site (c.77+1G>A, c.77+1G>C) have been reported in individuals with a personal history consistent with hereditary paraganglioma-pheochromocytoma syndrome (PGL/PCC) (Ambry internal data). Alterations that disrupt the canonical splice site are expected to cause aberrant splicing, resulting in an abnormal protein or a transcript that is subject to nonsense-mediated mRNA decay. Based on the supporting evidence, this alteration is interpreted as a disease-causing mutation.

Literature cited by the submitters: PubMed 17576681 (cited by Labcorp Genetics (formerly Invitae), Labcorp); PubMed 9536098 (cited by Labcorp Genetics (formerly Invitae), Labcorp); PubMed 23666964 (cited by Labcorp Genetics (formerly Invitae), Labcorp and Ambry Genetics); PubMed 22517557 (cited by Ambry Genetics).